The following is an entry in ClinVar:

ClinVar aggregate classification (germline): Likely benign (1 of 4 stars; one submission).

Allele frequency attached by ClinVar (database versions not stated): gnomAD 0.03911 and 0.04216; TOPMed 0.04902; 1000 Genomes Project 30x 0.07511; 1000 Genomes Project 0.07748.
gnomAD v4.1: 6,426 of 152,224 alleles (4.2%); highest among the groups gnomAD compares: East Asian, 17%; 247 homozygotes.

Submission:

GeneDx
Classification: Likely benign. Last evaluated: 2018-06-15. Review status: criteria provided, single submitter. Criteria: GeneDx Variant Classification (06012015). Collection method: clinical testing. Allele origin: germline. Affected: yes.
Comment: This variant is considered likely benign or benign based on one or more of the following criteria: it is a conservative change, it occurs at a poorly conserved position in the protein, it is predicted to be benign by multiple in silico algorithms, and/or has population frequency not consistent with disease.

NM_002485.5(NBN):c.2234+157A>G

Gene: NBN (nibrin; minus strand). Cytogenetic location: 8q21.3.
Variant type: single nucleotide variant.
Coding change: c.2234+157A>G on transcript NM_002485.5 (MANE Select); 157 bases into the intron after coding-DNA position 2234, A replaced by G.
Molecular consequence: intron variant.
Genome position (GRCh38, 1-based): chr8:89,936,869, T>C on the plus strand (A>G on the coding strand, the complement: NBN is on the minus strand). VCF-style: chr8-89936869-T-C. GRCh37 (hg19) VCF-style: chr8-90949097-T-C.
Other names: c.1988+157A>G (NM_001024688.3).
Identifiers: ClinVar variation 679760 (VCV000679760.1), dbSNP rs13312971, ClinGen allele CA181268562.